The following is an entry in ClinVar:

ClinVar aggregate classification (germline): Benign/Likely benign. Review status: criteria provided, multiple submitters, no conflicts (2 of 4 stars). 4 submissions from 4 submitters: Benign (3); Likely benign (1). Last evaluated 2023-03-01.

Allele frequency attached by ClinVar (database versions not stated): 1000 Genomes Project 30x 0.00359; 1000 Genomes Project 0.00379; ExAC 0.00647; gnomAD exomes 0.00688 and 0.00874; gnomAD 0.00710 and 0.00712; TOPMed 0.00714; ESP Exome Variant Server 0.00884.
gnomAD v4.1: 13,867 of 1,614,142 alleles (0.86%); highest among the groups gnomAD compares: Middle Eastern, 1.4%; 80 homozygotes.

Submissions (4):

CeGaT Center for Human Genetics Tuebingen
Classification: Likely benign. Last evaluated: 2023-03-01. Review status: criteria provided, single submitter. Criteria: CeGaT Center For Human Genetics Tuebingen Variant Classification Criteria Version 2. Collection method: clinical testing. Allele origin: germline. Affected: yes. Observed: 1 variant allele.
Comment: TLR5: BS2

Labcorp Genetics (formerly Invitae), Labcorp
Classification: Benign. Last evaluated: 2018-08-08. Review status: criteria provided, single submitter. Criteria: Invitae Variant Classification Sherloc (09022015). Collection method: clinical testing. Allele origin: germline.

Genomic Diagnostic Laboratory, Division of Genomic Diagnostics, Children's Hospital of Philadelphia
Classification: Benign. Last evaluated: 2015-07-30. Review status: criteria provided, single submitter. Criteria: DGD Variant Analysis Guidelines. Collection method: clinical testing. Allele origin: unknown.

Breakthrough Genomics
Classification: Benign. Review status: criteria provided, single submitter. Criteria: ACMG Guidelines, 2015. Collection method: not provided. Allele origin: germline. Inheritance: Autosomal dominant inheritance. Affected: yes.

NM_003268.6(TLR5):c.1459C>A (p.Leu487Ile)

Gene: TLR5 (toll like receptor 5; minus strand). Cytogenetic location: 1q41.
Variant type: single nucleotide variant.
Coding change: c.1459C>A on transcript NM_003268.6 (MANE Select); coding-DNA position 1459, C replaced by A.
Protein change: p.Leu487Ile; replaces leucine 487 with isoleucine.
Molecular consequence: missense variant.
Genome position (GRCh38, 1-based): chr1:223,111,573, G>T on the plus strand (C>A on the coding strand, the complement: TLR5 is on the minus strand). VCF-style: chr1-223111573-G-T. GRCh37 (hg19) VCF-style: chr1-223284915-G-T.
Other names: short protein forms L487I.
Identifiers: ClinVar variation 252617 (VCV000252617.30), dbSNP rs5744171, ClinGen allele CA1409813.